The following is an entry in ClinVar:

ClinVar aggregate classification (germline): Uncertain significance (1 of 4 stars; one submission).

Conditions:
Hereditary cancer-predisposing syndrome. Also called: Hereditary Cancer Syndrome; Hereditary neoplastic syndrome; Neoplastic Syndromes, Hereditary; Tumor predisposition. Identifiers: Orphanet 140162, MedGen C0027672, MeSH D009386, MONDO:0015356.

Submission:

Ambry Genetics
Classification: Uncertain significance for Hereditary cancer-predisposing syndrome. Last evaluated: 2020-01-28. Review status: criteria provided, single submitter. Criteria: Ambry Variant Classification Scheme 2023. Collection method: clinical testing. Allele origin: germline.
Comment: The p.Q312R variant (also known as c.935A>G), located in coding exon 7 of the RAD50 gene, results from an A to G substitution at nucleotide position 935. The glutamine at codon 312 is replaced by arginine, an amino acid with highly similar properties. This amino acid position is highly conserved in available vertebrate species. In addition, the in silico prediction for this alteration is inconclusive. Since supporting evidence is limited at this time, the clinical significance of this alteration remains unclear.

NM_005732.4(RAD50):c.935A>G (p.Gln312Arg)

Gene: RAD50 (RAD50 double strand break repair protein; plus strand). Cytogenetic location: 5q31.1.
Variant type: single nucleotide variant.
Coding change: c.935A>G on transcript NM_005732.4 (MANE Select); coding-DNA position 935, A replaced by G.
Protein change: p.Gln312Arg; replaces glutamine 312 with arginine.
Molecular consequence: missense variant.
Genome position (GRCh38, 1-based): chr5:132,587,973, A>G. VCF-style: chr5-132587973-A-G. GRCh37 (hg19) VCF-style: chr5-131923665-A-G.
Other names: short protein forms Q312R.
Identifiers: ClinVar variation 1766670 (VCV001766670.2), dbSNP rs2479632541, ClinGen allele CA360940989.